The following is an entry in ClinVar:

ClinVar aggregate classification (germline): Likely benign (1 of 4 stars; one submission).

gnomAD v4.1: 13 of 151,586 alleles (0.0086%); highest among the groups gnomAD compares: South Asian, 0.1%; no homozygotes.

Submission:

CeGaT Center for Human Genetics Tuebingen
Classification: Likely benign. Last evaluated: 2026-01-01. Review status: criteria provided, single submitter. Criteria: CeGaT Center For Human Genetics Tuebingen Variant Classification Criteria Version 2. Collection method: clinical testing. Allele origin: germline. Affected: yes. Observed: 1 variant allele.
Comment: GNAS: BP4, BP7

NM_080425.4(GNAS):c.2069-5399G>A

Gene: GNAS (GNAS complex locus; plus strand). Cytogenetic location: 20q13.32.
Variant type: single nucleotide variant.
Coding change: c.2069-5399G>A on transcript NM_080425.4 (MANE Plus Clinical); 5399 bases into the intron before coding-DNA position 2069, G replaced by A.
Molecular consequence: intron variant.
Genome position (GRCh38, 1-based): chr20:58,890,213, G>A. VCF-style: chr20-58890213-G-A. GRCh37 (hg19) VCF-style: chr20-57465268-G-A.
Other names: c.*43-5399G>A (NM_016592.5); c.44-5399G>A (NM_001410912.1); c.-38-5399G>A (NM_001309861.2); c.*1-5399G>A (NM_001077490.3); c.2069-5399G>A (NM_001410913.1); c.*159-5399G>A (NM_001309883.1); c.-39+860G>A (NM_001438273.1, NM_001309840.2); c.-39+881G>A (NM_001439291.1, NM_001438274.1).
Identifiers: ClinVar variation 4820722 (VCV004820722.4).